The following is an entry in ClinVar:

ClinVar aggregate classification (germline): Likely pathogenic (1 of 4 stars; one submission).

Conditions:
Primary ciliary dyskinesia. Also called: Ciliary dyskinesia. Identifiers: Orphanet 244, MedGen C0008780, MONDO:0016575, HP:0012265.

Submission:

Ambry Genetics
Classification: Likely pathogenic for Primary ciliary dyskinesia. Last evaluated: 2025-12-09. Review status: criteria provided, single submitter. Criteria: Ambry Variant Classification Scheme 2023. Collection method: clinical testing. Allele origin: germline.
Comment: The c.4817+1G>A intronic variant results from a G to A substitution one nucleotide after coding exon 27 of the DNAH11 gene. This variant is considered to be rare based on population cohorts in the Genome Aggregation Database (gnomAD). This nucleotide position is highly conserved in available vertebrate species. In silico splice site analysis predicts that this alteration will weaken the native splice donor site. Alterations that disrupt the canonical splice site are expected to cause aberrant splicing, resulting in an abnormal protein or a transcript that is subject to nonsense-mediated mRNA decay. As such, this alteration is classified as likely pathogenic.

NM_001277115.2(DNAH11):c.4817+1G>A

Gene: DNAH11 (dynein axonemal heavy chain 11; plus strand). Cytogenetic location: 7p15.3.
Variant type: single nucleotide variant.
Coding change: c.4817+1G>A on transcript NM_001277115.2 (MANE Select); the canonical splice donor site of the intron after coding-DNA position 4817, G replaced by A.
Molecular consequence: splice donor variant.
Genome position (GRCh38, 1-based): chr7:21,637,703, G>A. VCF-style: chr7-21637703-G-A. GRCh37 (hg19) VCF-style: chr7-21677321-G-A.
Identifiers: ClinVar variation 4604005 (VCV004604005.1).